The following is an entry in ClinVar:

ClinVar aggregate classification (germline): Uncertain significance. Review status: reviewed by expert panel (3 of 4 stars). 2 submissions from 2 submitters: Uncertain significance (1). 1 of the submissions does not count toward it. Last evaluated 2024-02-15.

Conditions:
Severe combined immunodeficiency due to DCLRE1C deficiency (RS-SCID). Also called: SCID, AUTOSOMAL RECESSIVE, T CELL-NEGATIVE, B CELL-NEGATIVE, NK CELL-POSITIVE, WITH SENSITIVITY TO IONIZING RADIATION. Identifiers: Orphanet 275, MedGen C1865371, MONDO:0011225, OMIM 602450.

Submissions (2):

ClinGen Severe Combined Immunodeficiency Variant Curation Expert Panel, ClinGen
Classification: Uncertain significance for Severe combined immunodeficiency due to DCLRE1C deficiency. Last evaluated: 2024-02-15. Review status: reviewed by expert panel. Criteria: ClinGen SCID ACMG Specifications DCLRE1C V1.0.0. Collection method: curation. Allele origin: germline. Inheritance: Autosomal recessive inheritance.
Comment: The c.310G>A (NM_001033855.3) variant in DCLRE1C is a missense variant predicted to cause the substitution of Glutamic Acid by Lysine at amino acid 104 (p.Glu104Lys). This variant is absent from gnomAD v4 (PM2_Supporting). To our knowledge, this variant has not been reported in the literature in individuals affected with DCLRE1C-related conditions or in functional studies. In summary, this variant meets the criteria to be classified as a variant of uncertain significance for autosomal recessive severe combined immunodeficiency due to DCLRE1C deficiency based on the ACMG/AMP criteria applied, as specified by the ClinGen SCID VCEP: PM2_Supporting (VCEP specifications version 1).

Revvity Omics, Revvity
Classification: Uncertain significance. Last evaluated: 2021-10-16. Review status: criteria provided, single submitter. Criteria: ACMG Guidelines, 2015. Collection method: clinical testing. Allele origin: germline. Not counted in ClinVar's aggregate classification.

NM_001033855.3(DCLRE1C):c.310G>A (p.Glu104Lys)

Gene: DCLRE1C (DNA cross-link repair 1C; minus strand). Cytogenetic location: 10p13.
Variant type: single nucleotide variant.
Coding change: c.310G>A on transcript NM_001033855.3 (MANE Select); coding-DNA position 310, G replaced by A.
Protein change: p.Glu104Lys; replaces glutamic acid 104 with lysine.
Molecular consequence: missense variant. On other transcripts: 5 prime UTR variant (5), non-coding transcript variant (3), intron variant (4).
Genome position (GRCh38, 1-based): chr10:14,936,590, C>T on the plus strand (G>A on the coding strand, the complement: DCLRE1C is on the minus strand). VCF-style: chr10-14936590-C-T. GRCh37 (hg19) VCF-style: chr10-14978589-C-T.
Other names: NM_001033855.3(DCLRE1C):c.310G>A; p.Glu104Lys; c.-51G>A (NM_001033857.3, NM_001033858.3, NM_001289077.2 and 2 more transcripts); c.310G>A, p.Glu104Lys (NM_001350965.2); c.18-1026G>A (NM_001350966.2, NM_001289078.2, NM_001289076.2 and 1 more transcripts); short protein forms E104K.
Identifiers: ClinVar variation 2440718 (VCV002440718.3), dbSNP rs2492078995, ClinGen allele CA376061278.